The following is an entry in ClinVar:

ClinVar aggregate classification (germline): Uncertain significance (1 of 4 stars; one submission).

Allele frequency attached by ClinVar (database versions not stated): gnomAD exomes below 0.00001 and 0.00001.
gnomAD v4.1: 1 of 1,551,372 alleles (0.000064%); highest among the groups gnomAD compares: East Asian, 0.0024%; no homozygotes.

Submission:

Labcorp Genetics (formerly Invitae), Labcorp
Classification: Uncertain significance. Last evaluated: 2022-02-09. Review status: criteria provided, single submitter. Criteria: Invitae Variant Classification Sherloc (09022015). Collection method: clinical testing. Allele origin: germline.
Comment: This sequence change replaces tryptophan, which is neutral and slightly polar, with arginine, which is basic and polar, at codon 2997 of the EYS protein (p.Trp2997Arg). This variant is present in population databases (no rsID available, gnomAD 0.02%). This missense change has been observed in individual(s) with clinical features of retinitis pigmentosa (PMID: 30804660; Invitae). This variant is also known as c.9052T>C (p.Trp3018Arg). ClinVar contains an entry for this variant (Variation ID: 1045391). Algorithms developed to predict the effect of missense changes on protein structure and function are either unavailable or do not agree on the potential impact of this missense change (SIFT: "Deleterious"; PolyPhen-2: "Probably Damaging"; Align-GVGD: "Class C0"). In summary, the available evidence is currently insufficient to determine the role of this variant in disease. Therefore, it has been classified as a Variant of Uncertain Significance.

Literature cited by the submitters: PubMed 30804660.

NM_001142800.2(EYS):c.8989T>C (p.Trp2997Arg)

Genes: EYS (eyes shut homolog; minus strand), PHF3 (PHD finger protein 3; plus strand). Cytogenetic location: 6q12.
Variant type: single nucleotide variant.
Coding change: c.8989T>C on transcript NM_001142800.2 (MANE Select); coding-DNA position 8989, T replaced by C.
Protein change: p.Trp2997Arg; replaces tryptophan 2997 with arginine.
Molecular consequence: missense variant. On other transcripts: 3 prime UTR variant (5).
Genome position (GRCh38, 1-based): chr6:63,721,042, A>G on the plus strand (T>C on the coding strand, the complement: EYS is on the minus strand). VCF-style: chr6-63721042-A-G. GRCh37 (hg19) VCF-style: chr6-64430938-A-G.
Other names: c.*7334A>G (NM_001290259.2, NM_001370348.2, NM_001370349.2 and 2 more transcripts); c.9052T>C, p.Trp3018Arg (NM_001292009.2); short protein forms W3018R, W2997R.
Identifiers: ClinVar variation 1045391 (VCV001045391.5), dbSNP rs1250778067, ClinGen allele CA364383515.
Genomic context (GRCh38, chr6:63,721,042, plus strand): 5'-TCTGATTATGGAGACCAATTGCCAGAAAATCATTTTCTTCATTTTGAGCTATTCCCATCC[A>G]TACAATTAGACCTTCTGTTTTAGTGGTACTGAAATTTAAGGATATAGTAGTGAACTGGAG-3'
Protein context (NP_001136272.1, residues 2987-3007): STTKTEGLIV[Trp2997Arg]MGIAQNEEND